The following is an entry in ClinVar:

ClinVar aggregate classification (germline): Uncertain significance. Review status: criteria provided, multiple submitters, no conflicts (2 of 4 stars). 3 submissions from 3 submitters: Uncertain significance (3). Last evaluated 2025-12-02.

Conditions:
BBS9-related disorder. Also called: BBS9-related condition.
Bardet-Biedl syndrome (BBS). Identifiers: Orphanet 110, MedGen C0752166, MONDO:0015229.
Bardet-Biedl syndrome 9 (BBS9). Identifiers: Orphanet 110, MedGen C1859567, MONDO:0014437, OMIM 615986.

Allele frequency attached by ClinVar (database versions not stated): TOPMed 0.00002; gnomAD 0.00003.
gnomAD v4.1: 18 of 1,613,918 alleles (0.0011%); highest among the groups gnomAD compares: Admixed American, 0.0033%; no homozygotes.

Submissions (3):

PreventionGenetics, part of Exact Sciences
Classification: Uncertain significance for BBS9-related condition. Last evaluated: 2025-12-02. Review status: criteria provided, single submitter. Criteria: ACMG Guidelines, 2015. Collection method: clinical testing. Allele origin: germline.
Comment: The BBS9 c.2021G>A variant is predicted to result in the amino acid substitution p.Arg674Gln. To our knowledge, this variant has not been reported in the literature. This variant is reported in 0.0056% of alleles in individuals of Latino descent in gnomAD. At this time, the clinical significance of this variant is uncertain due to the absence of conclusive functional and genetic evidence.

Genomic Medicine Center of Excellence, King Faisal Specialist Hospital and Research Centre
Classification: Uncertain significance for Bardet-Biedl syndrome 9. Last evaluated: 2024-09-22. Review status: criteria provided, single submitter. Criteria: ACMG Guidelines, 2015. Collection method: clinical testing. Allele origin: germline.

Labcorp Genetics (formerly Invitae), Labcorp
Classification: Uncertain significance for Bardet-Biedl syndrome. Last evaluated: 2022-08-07. Review status: criteria provided, single submitter. Criteria: Invitae Variant Classification Sherloc (09022015). Collection method: clinical testing. Allele origin: germline.
Comment: This sequence change replaces arginine, which is basic and polar, with glutamine, which is neutral and polar, at codon 674 of the BBS9 protein (p.Arg674Gln). This variant is present in population databases (rs555671554, gnomAD 0.006%). This variant has not been reported in the literature in individuals affected with BBS9-related conditions. Algorithms developed to predict the effect of missense changes on protein structure and function are either unavailable or do not agree on the potential impact of this missense change (SIFT: "Deleterious"; PolyPhen-2: "Probably Damaging"; Align-GVGD: "Class C0"). In summary, the available evidence is currently insufficient to determine the role of this variant in disease. Therefore, it has been classified as a Variant of Uncertain Significance.

NM_198428.3(BBS9):c.2021G>A (p.Arg674Gln)

Gene: BBS9 (Bardet-Biedl syndrome 9; plus strand). Cytogenetic location: 7p14.3.
Variant type: single nucleotide variant.
Coding change: c.2021G>A on transcript NM_198428.3 (MANE Select); coding-DNA position 2021, G replaced by A.
Protein change: p.Arg674Gln; replaces arginine 674 with glutamine.
Molecular consequence: missense variant. On other transcripts: non-coding transcript variant (3).
Genome position (GRCh38, 1-based): chr7:33,388,050, G>A. VCF-style: chr7-33388050-G-A. GRCh37 (hg19) VCF-style: chr7-33427662-G-A.
Other names: c.2021G>A (NM_198428.2); c.1916G>A, p.Arg639Gln (NM_001033604.2); c.2006G>A, p.Arg669Gln (NM_001033605.2); c.2021G>A, p.Arg674Gln (NM_001348036.1, NM_001348041.4, NM_001348043.3 and 3 more transcripts); c.1655G>A, p.Arg552Gln (NM_001348037.3, NM_001348045.3, NM_001348046.3); c.1748G>A, p.Arg583Gln (NM_001348038.3); c.1643G>A, p.Arg548Gln (NM_001348039.3); c.1901G>A, p.Arg634Gln (NM_001348040.3, NM_014451.4); and 2 more; short protein forms R548Q, R629Q, R634Q, R674Q, R517Q, R552Q, R583Q, R639Q.
Identifiers: ClinVar variation 2197560 (VCV002197560.4), dbSNP rs555671554, ClinGen allele CA156732193.